The following is an entry in ClinVar:

NM_000944.5(PPP3CA):c.468A>G (p.Leu156=)

Gene: PPP3CA (protein phosphatase 3 catalytic subunit alpha; minus strand). Cytogenetic location: 4q24.
Variant type: single nucleotide variant.
Coding change: c.468A>G on transcript NM_000944.5 (MANE Select); coding-DNA position 468, A replaced by G.
Protein change: p.Leu156=; no amino-acid change (leucine 156 retained).
Molecular consequence: synonymous variant.
Genome position (GRCh38, 1-based): chr4:101,099,639, T>C on the plus strand (A>G on the coding strand, the complement: PPP3CA is on the minus strand). VCF-style: chr4-101099639-T-C. GRCh37 (hg19) VCF-style: chr4-102020796-T-C.
Other names: c.468A>G (NM_000944.4); c.468A>G, p.Leu156= (NM_001130691.2, NM_001130692.2).
Identifiers: ClinVar variation 1547798 (VCV001547798.33), dbSNP rs144554978, ClinGen allele CA3024490.

ClinVar aggregate classification (germline): Likely benign. Review status: criteria provided, multiple submitters, no conflicts (2 of 4 stars). 4 submissions from 4 submitters: Likely benign (3). 1 of the submissions does not count toward it. Last evaluated 2025-12-22.

Conditions:
PPP3CA-related disorder. Also called: PPP3CA-related condition; PPP3CA-related disorders.

Allele frequency attached by ClinVar (database versions not stated): gnomAD 0.00004 and 0.00005; gnomAD exomes 0.00005 and 0.00010; ESP Exome Variant Server 0.00008; ExAC 0.00009; TOPMed 0.00009.
gnomAD v4.1: 92 of 1,591,294 alleles (0.0058%); highest among the groups gnomAD compares: Middle Eastern, 0.068%; no homozygotes.

Submissions (4):

Labcorp Genetics (formerly Invitae), Labcorp
Classification: Likely benign. Last evaluated: 2025-12-22. Review status: criteria provided, single submitter. Criteria: Invitae Variant Classification Sherloc (09022015). Collection method: clinical testing. Allele origin: germline.

Blueprint Genetics
Classification: Likely benign. Last evaluated: 2024-09-12. Review status: criteria provided, single submitter. Criteria: ACMG Guidelines, 2015. Collection method: clinical testing. Allele origin: germline.

CeGaT Center for Human Genetics Tuebingen
Classification: Likely benign. Last evaluated: 2022-10-01. Review status: criteria provided, single submitter. Criteria: CeGaT Center For Human Genetics Tuebingen Variant Classification Criteria Version 2. Collection method: clinical testing. Allele origin: germline. Affected: yes. Observed: 1 variant allele.
Comment: PPP3CA: BP4, BP7

PreventionGenetics, part of Exact Sciences
Classification: Likely benign for PPP3CA-related condition. Last evaluated: 2020-01-07. Review status: no assertion criteria provided. Collection method: clinical testing. Allele origin: germline. Not counted in ClinVar's aggregate classification.
Comment: This variant is classified as likely benign based on ACMG/AMP sequence variant interpretation guidelines (Richards et al. 2015 PMID: 25741868, with internal and published modifications).